The following is an entry in ClinVar:

NM_000535.7(PMS2):c.1864A>G (p.Met622Val)

Gene: PMS2 (PMS1 homolog 2, mismatch repair system component; minus strand). Cytogenetic location: 7p22.1.
Variant type: single nucleotide variant.
Coding change: c.1864A>G on transcript NM_000535.7 (MANE Select); coding-DNA position 1864, A replaced by G.
Protein change: p.Met622Val; replaces methionine 622 with valine.
Molecular consequence: missense variant. On other transcripts: non-coding transcript variant (1).
Genome position (GRCh38, 1-based): chr7:5,986,901, T>C on the plus strand (A>G on the coding strand, the complement: PMS2 is on the minus strand). VCF-style: chr7-5986901-T-C. GRCh37 (hg19) VCF-style: chr7-6026532-T-C.
Other names: p.Met622Val; c.1459A>G, p.Met487Val (NM_001322003.2, NM_001322004.2, NM_001322005.2 and 1 more transcripts); c.1708A>G, p.Met570Val (NM_001322006.2); c.1546A>G, p.Met516Val (NM_001322007.2, NM_001322008.2); c.1303A>G, p.Met435Val (NM_001322010.2); c.931A>G, p.Met311Val (NM_001322011.2, NM_001322012.2); c.1291A>G, p.Met431Val (NM_001322013.2); c.1864A>G, p.Met622Val (NM_001322014.2); and 1 more; short protein forms M622V, M431V, M570V, M487V, M519V, M311V, M435V, M516V.
Identifiers: ClinVar variation 220760 (VCV000220760.27), dbSNP rs370853512, ClinGen allele CA045710.

ClinVar aggregate classification (germline): Conflicting classifications of pathogenicity. Review status: criteria provided, conflicting classifications (1 of 4 stars). 10 submissions from 10 submitters: Uncertain significance (4); Benign (2); Likely benign (4). Last evaluated 2026-01-19.

Conditions:
Hereditary nonpolyposis colorectal neoplasms. Identifiers: MedGen C0009405, MeSH D003123.
Lynch syndrome 4 (LYNCH4). Also called: Colorectal cancer, hereditary nonpolyposis, type 4; Hereditary non-polyposis colorectal cancer, type 4. Identifiers: Orphanet 144, MedGen C1838333, MONDO:0013699, OMIM 614337. Disease mechanism: loss of function.
Mismatch repair cancer syndrome 4. Identifiers: MedGen C5436817, MONDO:0030843, OMIM 619101.
Hereditary cancer-predisposing syndrome. Also called: Hereditary neoplastic syndrome; Tumor predisposition; Hereditary Cancer Syndrome; Neoplastic Syndromes, Hereditary. Identifiers: Orphanet 140162, MedGen C0027672, MeSH D009386, MONDO:0015356.

Allele frequency attached by ClinVar (database versions not stated): ESP Exome Variant Server 0.00008; gnomAD exomes 0.00013 and 0.00035; ExAC 0.00038; 1000 Genomes Project 30x 0.00094; 1000 Genomes Project 0.00100.
gnomAD v4.1: 186 of 1,614,126 alleles (0.012%); highest among the groups gnomAD compares: South Asian, 0.2%; 2 homozygotes.

Submissions (10):

Labcorp Genetics (formerly Invitae), Labcorp
Classification: Benign for Hereditary nonpolyposis colorectal neoplasms. Last evaluated: 2026-01-19. Review status: criteria provided, single submitter. Criteria: Invitae Variant Classification Sherloc (09022015). Collection method: clinical testing. Allele origin: germline.

Mayo Clinic Laboratories, Mayo Clinic
Classification: Likely benign. Last evaluated: 2025-07-01. Review status: criteria provided, single submitter. Criteria: ACMG Guidelines, 2015. Collection method: clinical testing. Allele origin: germline. Observed: 2 variant alleles.
Comment: BS1, BP4

Quest Diagnostics Nichols Institute San Juan Capistrano
Classification: Likely benign. Last evaluated: 2025-05-27. Review status: criteria provided, single submitter. Criteria: Quest Diagnostics criteria. Collection method: clinical testing. Allele origin: unknown.

Institute for Biomarker Research, Medical Diagnostic Laboratories, L.L.C.
Classification: Benign for Hereditary cancer-predisposing syndrome. Last evaluated: 2022-09-27. Review status: criteria provided, single submitter. Criteria: ACMG Guidelines, 2015. Collection method: clinical testing. Allele origin: germline.

Sema4
Classification: Uncertain significance for Hereditary cancer-predisposing syndrome. Last evaluated: 2021-09-11. Review status: criteria provided, single submitter. Criteria: Sema4 Curation Guidelines. Collection method: curation. Allele origin: germline.
Comment: The PMS2 c.1864A>G (p.M622V) variant has been reported in individuals with breast cancer, colorectal cancer, with a history of LS-associated cancer and/or colorectal polyps, gliosarcoma brain tumor as well as in controls (PMID: 33471991, 21356188, 25980754, 29212164). It was observed in 87/30610 chromosomes, with no homozygotes, of the South Asian subpopulation in the large and broad cohorts of the Genome Aggregation Database (PMID: 32461654), however, these occurrences have to be taken with caution because pseudogene PMS2CL interference can not be ruled out. The variant has been reported in ClinVar (Variation ID 220760). In silico tools suggest the impact of the variant on protein function is benign however, a functional study demonstrated decreased MLH1 binding (PMID: 21356188). The evidence is insufficient to meet ACMG/AMP criteria for classifying the variant as benign or pathogenic. Thus, the clinical significance of this variant is currently uncertain.

GeneDx
Classification: Uncertain significance. Last evaluated: 2020-03-24. Review status: criteria provided, single submitter. Criteria: GeneDx Variant Classification Process June 2021. Collection method: clinical testing. Allele origin: germline. Affected: yes.
Comment: While protein-based in silico analysis supports that this variant does not alter protein structure/function, splice predictors support a deleterious effect.; Observed in individuals undergoing hereditary cancer panel testing for Lynch syndrome-related cancers and/or polyps (Yurgelun 2015); This variant is associated with the following publications: (PMID: 21356188, 11793469, 25980754, 19526325, 16472587)

Department of Pathology and Laboratory Medicine, Sinai Health System
Classification: Uncertain significance for Lynch syndrome 4; Mismatch repair cancer syndrome 4. Last evaluated: 2020-02-06. Review status: criteria provided, single submitter. Criteria: ACMG Guidelines, 2015. Collection method: clinical testing. Allele origin: germline. Affected: yes.

Ambry Genetics
Classification: Likely benign for Hereditary cancer-predisposing syndrome. Last evaluated: 2017-09-28. Review status: criteria provided, single submitter. Criteria: Ambry Variant Classification Scheme 2023. Collection method: clinical testing. Allele origin: germline.

Women's Health and Genetics/Laboratory Corporation of America, LabCorp
Classification: Uncertain significance. Last evaluated: 2017-03-24. Review status: criteria provided, single submitter. Criteria: LabCorp Variant Classification Summary - May 2015. Collection method: clinical testing. Allele origin: germline.
Comment: Variant summary: The PMS2 c.1864A>G (p.Met622Val) variant involves the alteration of a non-conserved nucleotide. 4/4 in silico tools predict a benign outcome for this variant (SNPs&GO not captured due to low reliability index). This variant was found in the ExAC database in 46/121374 control chromosomes at a frequency of 0.000379, which is approximately 3 times the estimated maximal expected allele frequency of a pathogenic PMS2 variant (0.0001136), however ExAC does not use technology that is able to differentiate between PMS2 and highly homologous psuedogenes, therefore pseudogene intereference cannot be ruled out. The variant has been reported in affected individuals in the literature, without strong evidence for causality. A functional study suggests the binding of PMS2-M622V to MLH1 was consistently decreased, however quantification was not provided (Plon_2011). The variant was classified by one reputable clinical lab as a VUS, and by another as likely benign. Taken together, until additional functional and clinical data becomes available, this variant is classified as VUS.

Color Diagnostics, LLC DBA Color Health
Classification: Likely benign for Hereditary cancer-predisposing syndrome. Last evaluated: 2017-03-13. Review status: criteria provided, single submitter. Criteria: ACMG Guidelines, 2015. Collection method: clinical testing. Allele origin: germline.

Literature cited by the submitters: PubMed 25980754 (cited by 4 submitters); PubMed 33471991 (cited by Quest Diagnostics Nichols Institute San Juan Capistrano and Sema4); PubMed 34326862 (cited by Quest Diagnostics Nichols Institute San Juan Capistrano); PubMed 35449176 (cited by Quest Diagnostics Nichols Institute San Juan Capistrano); PubMed 21356188 (cited by 4 submitters); PubMed 11793469 (cited by Quest Diagnostics Nichols Institute San Juan Capistrano and Ambry Genetics); PubMed 19526325 (cited by Quest Diagnostics Nichols Institute San Juan Capistrano and Ambry Genetics); PubMed 29212164 (cited by Sema4); PubMed 16472587 (cited by Ambry Genetics).